The following is an entry in ClinVar:

NM_014396.4(VPS41):c.155C>G (p.Thr52Arg)

Gene: VPS41 (VPS41 subunit of HOPS complex; minus strand). Cytogenetic location: 7p14.1.
Variant type: single nucleotide variant.
Coding change: c.155C>G on transcript NM_014396.4 (MANE Select); coding-DNA position 155, C replaced by G.
Protein change: p.Thr52Arg; replaces threonine 52 with arginine.
Molecular consequence: missense variant.
Genome position (GRCh38, 1-based): chr7:38,869,159, G>C on the plus strand (C>G on the coding strand, the complement: VPS41 is on the minus strand). VCF-style: chr7-38869159-G-C. GRCh37 (hg19) VCF-style: chr7-38908759-G-C.
Other names: c.155C>G, p.Thr52Arg (NM_080631.4); short protein forms T52R.
Identifiers: ClinVar variation 2657393 (VCV002657393.24), dbSNP rs147210031, ClinGen allele CA4227263.
Genomic context (GRCh38, chr7:38,869,159, plus strand): 5'-ACAATGGAAACAATTTACAGAAGAATCCTCTGAAAGTGCTATCTTACCTTGTCATGGACT[G>C]TCATGCAGCTAGCTGCATCCTTCTGAAGTATTTCAGTTACCCCATTGGAAAGCCTTTCAT-3'
Protein context (NP_055211.2, residues 42-62): ILQKDAASCM[Thr52Arg]VHDKFLALGT

ClinVar aggregate classification (germline): Likely benign (1 of 4 stars; one submission).

Allele frequency attached by ClinVar (database versions not stated): 1000 Genomes Project 30x 0.00172; 1000 Genomes Project 0.00180; ESP Exome Variant Server 0.00384.
gnomAD v4.1: 6,946 of 1,597,814 alleles (0.43%); highest among the groups gnomAD compares: Non-Finnish European, 0.53%; 22 homozygotes.

Submission:

CeGaT Center for Human Genetics Tuebingen
Classification: Likely benign. Last evaluated: 2026-07-01. Review status: criteria provided, single submitter. Criteria: CeGaT Center For Human Genetics Tuebingen Variant Classification Criteria Version 2. Collection method: clinical testing. Allele origin: germline. Affected: yes. Observed: 22 variant alleles.
Comment: VPS41: BS2